The following is an entry in ClinVar:

ClinVar aggregate classification (germline): Conflicting classifications of pathogenicity. Review status: criteria provided, conflicting classifications (1 of 4 stars). 3 submissions from 3 submitters: Likely pathogenic (2); Uncertain significance (1). Last evaluated 2025-04-11.

Conditions:
Primary ciliary dyskinesia. Also called: Ciliary dyskinesia. Identifiers: Orphanet 244, MedGen C0008780, MONDO:0016575, HP:0012265.
Primary ciliary dyskinesia 12. Also called: CILIARY DYSKINESIA, PRIMARY, 12, WITHOUT SITUS INVERSUS. Identifiers: Orphanet 244, MedGen C2675228, MONDO:0012979, OMIM 612650.
RSPH9-related disorder. Also called: RSPH9-related condition.

Submissions (3):

Clinical Genetics and Genomics, Karolinska University Hospital
Classification: Likely pathogenic for Primary ciliary dyskinesia 12. Last evaluated: 2025-04-11. Review status: criteria provided, single submitter. Criteria: ACMG Guidelines, 2015. Collection method: clinical testing. Allele origin: germline. Inheritance: Autosomal recessive inheritance. Affected: yes.

Blueprint Genetics
Classification: Likely pathogenic for RSPH9-related disorders. Last evaluated: 2022-03-11. Review status: criteria provided, single submitter. Criteria: ACMG Guidelines, 2015. Collection method: clinical testing. Allele origin: germline. Affected: yes. Observed: 4 variant alleles.

Ambry Genetics
Classification: Uncertain significance for Primary ciliary dyskinesia. Last evaluated: 2014-09-23. Review status: criteria provided, single submitter. Criteria: Ambry Variant Classification Scheme 2023. Collection method: clinical testing. Allele origin: germline.
Comment: The p.L32P variant (also known as c.95T>C), located in coding exon 1 of the RSPH9 gene, results from a T to C substitution at nucleotide position 95. The leucine at codon 32 is replaced by proline, an amino acid with similar properties. This variant was not reported in population based cohorts in the following databases: Database of Single Nucleotide Polymorphisms (dbSNP), NHLBI Exome Sequencing Project (ESP), and 1000 Genomes Project. In the ESP, this variant was not observed in 6501 samples (13002 alleles) with coverage at this position. This amino acid position is highly conserved in available vertebrate species on limited alignment. In addition, this alteration is predicted to be deleterious by in silico analysis. Since supporting evidence is limited at this time, the clinical significance of this variant remains unclear.

NM_152732.5(RSPH9):c.95T>C (p.Leu32Pro)

Gene: RSPH9 (radial spoke head component 9; plus strand). Cytogenetic location: 6p21.1.
Variant type: single nucleotide variant.
Coding change: c.95T>C on transcript NM_152732.5 (MANE Select); coding-DNA position 95, T replaced by C.
Protein change: p.Leu32Pro; replaces leucine 32 with proline.
Molecular consequence: missense variant. On other transcripts: non-coding transcript variant (2).
Genome position (GRCh38, 1-based): chr6:43,645,193, T>C. VCF-style: chr6-43645193-T-C. GRCh37 (hg19) VCF-style: chr6-43612930-T-C.
Other names: c.95T>C, p.Leu32Pro (NM_001193341.2, NM_001424119.1, NM_001424120.1 and 1 more transcripts); short protein forms L32P.
Identifiers: ClinVar variation 1767533 (VCV001767533.4), dbSNP rs1182940646, ClinGen allele CA364287150.